The following is an entry in ClinVar:

NM_004104.5(FASN):c.4192T>G (p.Ser1398Ala)

Gene: FASN (fatty acid synthase; minus strand). Cytogenetic location: 17q25.3.
Variant type: single nucleotide variant.
Coding change: c.4192T>G on transcript NM_004104.5 (MANE Select); coding-DNA position 4192, T replaced by G.
Protein change: p.Ser1398Ala; replaces serine 1398 with alanine.
Molecular consequence: missense variant.
Genome position (GRCh38, 1-based): chr17:82,085,333, A>C on the plus strand (T>G on the coding strand, the complement: FASN is on the minus strand). VCF-style: chr17-82085333-A-C. GRCh37 (hg19) VCF-style: chr17-80043209-A-C.
Other names: short protein forms S1398A.
Identifiers: ClinVar variation 946166 (VCV000946166.9), dbSNP rs1140613, ClinGen allele CA8852159.

ClinVar aggregate classification (germline): Uncertain significance (1 of 4 stars; one submission).

Conditions:
Epileptic encephalopathy. Identifiers: MedGen C0543888, HP:0200134.

Allele frequency attached by ClinVar (database versions not stated): gnomAD exomes 0.00001 and 0.00004; ExAC 0.00008; gnomAD 0.00019 and 0.00021; ESP Exome Variant Server 0.00023; TOPMed 0.00023.
gnomAD v4.1: 47 of 1,611,458 alleles (0.0029%); highest among the groups gnomAD compares: African/African-American, 0.06%; no homozygotes.

Submission:

Labcorp Genetics (formerly Invitae), Labcorp
Classification: Uncertain significance for Epileptic encephalopathy. Last evaluated: 2024-08-24. Review status: criteria provided, single submitter. Criteria: Invitae Variant Classification Sherloc (09022015). Collection method: clinical testing. Allele origin: germline.
Comment: This sequence change replaces serine, which is neutral and polar, with alanine, which is neutral and non-polar, at codon 1398 of the FASN protein (p.Ser1398Ala). This variant is present in population databases (rs1140613, gnomAD 0.05%). This variant has not been reported in the literature in individuals affected with FASN-related conditions. ClinVar contains an entry for this variant (Variation ID: 946166). An algorithm developed to predict the effect of missense changes on protein structure and function (PolyPhen-2) suggests that this variant is likely to be tolerated. In summary, the available evidence is currently insufficient to determine the role of this variant in disease. Therefore, it has been classified as a Variant of Uncertain Significance.